The following is an entry in ClinVar:

ClinVar aggregate classification (germline): Likely pathogenic (1 of 4 stars; one submission).

Conditions:
Spermatogenic failure 34. Identifiers: MedGen C4748403, MONDO:0029148, OMIM 618153.

Submission:

MGZ Medical Genetics Center
Classification: Likely pathogenic for Spermatogenic failure 34. Last evaluated: 2021-08-11. Review status: criteria provided, single submitter. Criteria: ACMG Guidelines, 2015. Collection method: clinical testing. Allele origin: germline. Affected: yes. Observed: 1 variant allele.
Comment: ACMG criteria applied: PVS1, PM2_SUP

NM_173651.4(FSIP2):c.1041_1050del (p.Val346_Tyr347insTer)

Gene: FSIP2 (fibrous sheath interacting protein 2; plus strand). Cytogenetic location: 2q32.1.
Variant type: Deletion.
Coding change: c.1041_1050del on transcript NM_173651.4 (MANE Select); coding-DNA positions 1041 to 1050, 10 bases deleted (TCCTGCTGGA; older notation c.1041_1050delTCCTGCTGGA).
Protein change: p.Val346_Tyr347insTer.
Molecular consequence: nonsense.
Genome position (GRCh38, 1-based): chr2:185,756,241-185,756,250, TCCTGCTGGA deleted; deleting any 10 consecutive bases within chr2:185,756,240-185,756,250 gives the same sequence; the c. name uses the placement nearest the transcript's 3' end. VCF-style (leftmost placement, unchanged base first): chr2-185756239-TATCCTGCTGG-T. GRCh37 (hg19) VCF-style: chr2-186620966-TATCCTGCTGG-T.
Identifiers: ClinVar variation 1709916 (VCV001709916.2), dbSNP rs745571898, ClinGen allele CA2016484.